The following is an entry in ClinVar:

NM_001110556.2(FLNA):c.6022+45G>A

Gene: FLNA (filamin A; minus strand). Cytogenetic location: Xq28.
Variant type: single nucleotide variant.
Coding change: c.6022+45G>A on transcript NM_001110556.2 (MANE Select); 45 bases into the intron after coding-DNA position 6022, G replaced by A.
Molecular consequence: intron variant.
Genome position (GRCh38, 1-based): chrX:154,353,251, C>T on the plus strand (G>A on the coding strand, the complement: FLNA is on the minus strand). VCF-style: chrX-154353251-C-T. GRCh37 (hg19) VCF-style: chrX-153581619-C-T.
Other names: c.5998+45G>A (NM_001456.4).
Identifiers: ClinVar variation 675256 (VCV000675256.2), dbSNP rs183132698, ClinGen allele CA10560179.

ClinVar aggregate classification (germline): Benign. Review status: criteria provided, multiple submitters, no conflicts (2 of 4 stars). 2 submissions from 2 submitters: Benign (2). Last evaluated 2018-06-16.

Allele frequency attached by ClinVar (database versions not stated): gnomAD exomes 0.00508 and 0.01277; ExAC 0.01556; gnomAD 0.04863 and 0.05228; 1000 Genomes Project 0.04874; 1000 Genomes Project 30x 0.05057; TOPMed 0.05635; ESP Exome Variant Server 0.05702.
gnomAD v4.1: 11,274 of 1,208,717 alleles (0.93%); highest among the groups gnomAD compares: African/African-American, 18%; 692 homozygotes.

Submissions (2):

GeneDx
Classification: Benign. Last evaluated: 2018-06-16. Review status: criteria provided, single submitter. Criteria: GeneDx Variant Classification (06012015). Collection method: clinical testing. Allele origin: germline. Affected: yes.
Comment: This variant is considered likely benign or benign based on one or more of the following criteria: it is a conservative change, it occurs at a poorly conserved position in the protein, it is predicted to be benign by multiple in silico algorithms, and/or has population frequency not consistent with disease.

Breakthrough Genomics
Classification: Benign. Review status: criteria provided, single submitter. Criteria: ACMG Guidelines, 2015. Collection method: not provided. Allele origin: germline. Inheritance: X-linked inheritance. Affected: yes.